The following is an entry in ClinVar:

NM_001122955.4(BSCL2):c.765+15C>T

Genes: BSCL2 (BSCL2 lipid droplet biogenesis associated, seipin; minus strand), HNRNPUL2-BSCL2 (HNRNPUL2-BSCL2 readthrough (NMD candidate); minus strand). Cytogenetic location: 11q12.3.
Variant type: single nucleotide variant.
Coding change: c.765+15C>T on transcript NM_001122955.4 (MANE Select); 15 bases into the intron after coding-DNA position 765, C replaced by T.
Molecular consequence: intron variant.
Genome position (GRCh38, 1-based): chr11:62,692,648, G>A on the plus strand (C>T on the coding strand, the complement: BSCL2 is on the minus strand). VCF-style: chr11-62692648-G-A. GRCh37 (hg19) VCF-style: chr11-62460120-G-A.
Other names: p.?; c.573+15C>T (NM_001130702.2, NM_032667.6); c.765+15C>T (NM_001386028.1, NM_001386027.1).
Identifiers: ClinVar variation 257499 (VCV000257499.23), dbSNP rs79586077, ClinGen allele CA6053477.
Genomic context (GRCh38, chr11:62,692,648, plus strand): 5'-GAGGCTTCTCAGGTAGAATCCTGGGCTAATGGGAGGGGCTATCTCCTAGTCATAAAGCTC[G>A]TTCACCTCACTCACCGAGTTCTCTCTATAGTCTGCGTAGAGTTCCACCTCCAGCAGCTGC-3'

ClinVar aggregate classification (germline): Benign. Review status: criteria provided, multiple submitters, no conflicts (2 of 4 stars). 7 submissions from 6 submitters: Benign (7). Last evaluated 2026-01-27.

Conditions:
Congenital generalized lipodystrophy type 2 (CGL2). Also called: SEIP SYNDROME; BERARDINELLI SYNDROME; BRUNZELL SYNDROME, BSCL2-RELATED; Berardinelli-Seip Congenital Lipodystrophy Type 2. Identifiers: Orphanet 528, Orphanet 696289, MedGen C1720863, MONDO:0010020, OMIM 269700.
Charcot-Marie-Tooth disease type 2. Also called: Charcot-Marie-Tooth type 2. Identifiers: Orphanet 64746, MedGen C0270914, MONDO:0018993.
Neuronopathy, distal hereditary motor, type 5A (HMND5). Also called: Distal Spinal Muscular Atrophy V; Distal Spinal Muscular Atrophy V (dSMA-V); NEURONOPATHY, DISTAL HEREDITARY MOTOR, AUTOSOMAL DOMINANT 5; DHMN VA. Identifiers: Orphanet 139536, MedGen CN031873, MONDO:0015353, OMIM 600794.

Allele frequency attached by ClinVar (database versions not stated): gnomAD 0.03596; gnomAD exomes 0.00974; 1000 Genomes Project 0.04054; 1000 Genomes Project 30x 0.04263; TOPMed 0.04062; ESP Exome Variant Server 0.04192; ExAC 0.01204.
gnomAD v4.1: 11,019 of 1,613,842 alleles (0.68%); highest among the groups gnomAD compares: African/African-American, 13%; 634 homozygotes.

Submissions (7):

Labcorp Genetics (formerly Invitae), Labcorp
Classification: Benign for Charcot-Marie-Tooth disease type 2. Last evaluated: 2026-01-27. Review status: criteria provided, single submitter. Criteria: Invitae Variant Classification Sherloc (09022015). Collection method: clinical testing. Allele origin: germline.

Mayo Clinic Laboratories, Mayo Clinic
Classification: Benign. Last evaluated: 2021-04-12. Review status: criteria provided, single submitter. Criteria: ACMG Guidelines, 2015. Collection method: clinical testing. Allele origin: germline. Observed: 21 variant alleles.

Illumina Laboratory Services, Illumina
Classification: Benign for Congenital generalized lipodystrophy type 2. Last evaluated: 2018-01-12. Review status: criteria provided, single submitter. Criteria: ICSL Variant Classification Criteria 13 December 2019. Collection method: clinical testing. Allele origin: germline.
Comment: This variant was observed in the ICSL laboratory as part of a predisposition screen in an ostensibly healthy population. It had not been previously curated by ICSL or reported in the Human Gene Mutation Database (HGMD: prior to June 1st, 2018), and was therefore a candidate for classification through an automated scoring system. Utilizing variant allele frequency, disease prevalence and penetrance estimates, and inheritance mode, an automated score was calculated to assess if this variant is too frequent to cause the disease. Based on the score and internal cut-off values, a variant classified as benign is not then subjected to further curation. The score for this variant resulted in a classification of benign for this disease.

Illumina Laboratory Services, Illumina
Classification: Benign for Neuronopathy, distal hereditary motor, type 5A. Last evaluated: 2018-01-12. Review status: criteria provided, single submitter. Criteria: ICSL Variant Classification Criteria 13 December 2019. Collection method: clinical testing. Allele origin: germline.
Comment: the same text as in the submission from Illumina Laboratory Services, Illumina above.

GeneDx
Classification: Benign. Last evaluated: 2015-03-03. Review status: criteria provided, single submitter. Criteria: GeneDx Variant Classification Process June 2021. Collection method: clinical testing. Allele origin: germline. Affected: yes.

Breakthrough Genomics
Classification: Benign. Review status: criteria provided, single submitter. Criteria: ACMG Guidelines, 2015. Collection method: not provided. Allele origin: germline. Inheritance: Autosomal recessive inheritance. Affected: yes.

PreventionGenetics, part of Exact Sciences
Classification: Benign. Review status: criteria provided, single submitter. Criteria: ACMG Guidelines, 2015. Collection method: clinical testing. Allele origin: germline.